The following is an entry in ClinVar:

NM_001011551.3(C1GALT1C1):c.662A>G (p.Lys221Arg)

Gene: C1GALT1C1 (C1GALT1 specific chaperone 1; minus strand). Cytogenetic location: Xq24.
Variant type: single nucleotide variant.
Coding change: c.662A>G on transcript NM_001011551.3 (MANE Select); coding-DNA position 662, A replaced by G.
Protein change: p.Lys221Arg; replaces lysine 221 with arginine.
Molecular consequence: missense variant.
Genome position (GRCh38, 1-based): chrX:120,626,505, T>C on the plus strand (A>G on the coding strand, the complement: C1GALT1C1 is on the minus strand). VCF-style: chrX-120626505-T-C. GRCh37 (hg19) VCF-style: chrX-119760360-T-C.
Other names: c.662A>G, p.Lys221Arg (NM_152692.5); short protein forms K221R.
Identifiers: ClinVar variation 934543 (VCV000934543.6), dbSNP rs758199720, ClinGen allele CA10505943.

ClinVar aggregate classification (germline): Uncertain significance (1 of 4 stars; one submission).

Conditions:
Polyagglutinable erythrocyte syndrome (TNPS). Also called: TN POLYAGGLUTINATION SYNDROME; GALACTOSYLTRANSFERASE DEFICIENCY; TN POLYAGGLUTINATION SYNDROME, SOMATIC. Identifiers: MedGen C0272137, MONDO:0010381, OMIM 300622.

Allele frequency attached by ClinVar (database versions not stated): gnomAD exomes 0.00002 and 0.00004; TOPMed 0.00002; ExAC 0.00003.
gnomAD v4.1: 23 of 1,212,187 alleles (0.0019%); highest among the groups gnomAD compares: Admixed American, 0.0087%; no homozygotes.

Submission:

Labcorp Genetics (formerly Invitae), Labcorp
Classification: Uncertain significance for Polyagglutinable erythrocyte syndrome. Last evaluated: 2021-08-28. Review status: criteria provided, single submitter. Criteria: Invitae Variant Classification Sherloc (09022015). Collection method: clinical testing. Allele origin: germline.
Comment: This sequence change replaces lysine with arginine at codon 221 of the C1GALT1C1 protein (p.Lys221Arg). The lysine residue is moderately conserved and there is a small physicochemical difference between lysine and arginine. This variant is present in population databases (rs758199720, ExAC 0.03%). This variant has not been reported in the literature in individuals affected with C1GALT1C1-related conditions. Algorithms developed to predict the effect of missense changes on protein structure and function (SIFT, PolyPhen-2, Align-GVGD) all suggest that this variant is likely to be tolerated. In summary, the available evidence is currently insufficient to determine the role of this variant in disease. Therefore, it has been classified as a Variant of Uncertain Significance.